The following is an entry in ClinVar:

ClinVar aggregate classification (germline): Uncertain significance (1 of 4 stars; one submission).

Conditions:
Cardiovascular phenotype. Identifiers: MedGen CN230736.

Allele frequency attached by ClinVar (database versions not stated): TOPMed below 0.00001; ExAC 0.00001; gnomAD exomes below 0.00001.
gnomAD v4.1: 2 of 1,613,418 alleles (0.00012%); highest among the groups gnomAD compares: Non-Finnish European, 0.00017%; no homozygotes.

Submission:

Ambry Genetics
Classification: Uncertain significance for Cardiovascular phenotype. Last evaluated: 2013-06-05. Review status: criteria provided, single submitter. Criteria: Ambry Autosomal Dominant and X-Linked criteria (10/2015). Collection method: clinical testing. Allele origin: germline. Observed: 1 variant allele.
Comment: There is insufficient or conflicting evidence for classification of this alteration.

NM_002474.3(MYH11):c.2692G>A (p.Ala898Thr)

Gene: MYH11 (myosin heavy chain 11; minus strand). Cytogenetic location: 16p13.11.
Variant type: single nucleotide variant.
Coding change: c.2692G>A on transcript NM_002474.3 (MANE Select); coding-DNA position 2692, G replaced by A.
Protein change: p.Ala898Thr; replaces alanine 898 with threonine.
Molecular consequence: missense variant.
Genome position (GRCh38, 1-based): chr16:15,741,630, C>T on the plus strand (G>A on the coding strand, the complement: MYH11 is on the minus strand). VCF-style: chr16-15741630-C-T. GRCh37 (hg19) VCF-style: chr16-15835487-C-T.
Other names: c.2713G>A, p.Ala905Thr (NM_001040113.2, NM_001040114.2); c.2692G>A, p.Ala898Thr (NM_022844.3); short protein forms A898T, A905T.
Identifiers: ClinVar variation 263641 (VCV000263641.3), dbSNP rs772769846, ClinGen allele CA7922184.